The following is an entry in ClinVar:

ClinVar aggregate classification (germline): Uncertain significance (1 of 4 stars; one submission).

Submission:

GeneDx
Classification: Uncertain significance. Last evaluated: 2023-01-05. Review status: criteria provided, single submitter. Criteria: GeneDx Variant Classification Process June 2021. Collection method: clinical testing. Allele origin: germline. Affected: yes.
Comment: Not observed at significant frequency in large population cohorts (gnomAD); In silico analysis supports that this missense variant does not alter protein structure/function; Has not been previously published as pathogenic or benign to our knowledge.

NM_133433.4(NIPBL):c.967C>G (p.Gln323Glu)

Gene: NIPBL (NIPBL cohesin loading factor; plus strand). Cytogenetic location: 5p13.2.
Variant type: single nucleotide variant.
Coding change: c.967C>G on transcript NM_133433.4 (MANE Select); coding-DNA position 967, C replaced by G.
Protein change: p.Gln323Glu; replaces glutamine 323 with glutamic acid.
Molecular consequence: missense variant.
Genome position (GRCh38, 1-based): chr5:36,975,874, C>G. VCF-style: chr5-36975874-C-G. GRCh37 (hg19) VCF-style: chr5-36975976-C-G.
Other names: c.967C>G, p.Gln323Glu (NM_015384.5); short protein forms Q323E.
Identifiers: ClinVar variation 2571814 (VCV002571814.1), dbSNP rs2479123641, ClinGen allele CA359483031.